The following is an entry in ClinVar:

ClinVar aggregate classification (germline): Benign/Likely benign. Review status: criteria provided, multiple submitters, no conflicts (2 of 4 stars). 2 submissions from 2 submitters: Benign (1); Likely benign (1). Last evaluated 2024-11-26.

Conditions:
Congenital fibrosis of extraocular muscles type 1. Also called: OPHTHALMOPLEGIA, CONGENITAL; CFEOM3B; BLEPHAROPTOSIS WITH ABSENT EYE MOVEMENTS; FEOM1 LOCUS. Identifiers: MedGen C1851102, MONDO:0021083, OMIM 135700.

Allele frequency attached by ClinVar (database versions not stated): ESP Exome Variant Server 0.00015; gnomAD 0.00030 and 0.00031; TOPMed 0.00036; gnomAD exomes 0.00044 and 0.00048; ExAC 0.00071.
gnomAD v4.1: 681 of 1,611,058 alleles (0.042%); highest among the groups gnomAD compares: Non-Finnish European, 0.051%; 1 homozygote.

Submissions (2):

Blueprint Genetics
Classification: Likely benign. Last evaluated: 2024-11-26. Review status: criteria provided, single submitter. Criteria: ACMG Guidelines, 2015. Collection method: clinical testing. Allele origin: germline.

Illumina Laboratory Services, Illumina
Classification: Benign for Congenital fibrosis of extraocular muscles type 1. Last evaluated: 2018-01-12. Review status: criteria provided, single submitter. Criteria: ICSL Variant Classification Criteria 13 December 2019. Collection method: clinical testing. Allele origin: germline.
Comment: This variant was observed in the ICSL laboratory as part of a predisposition screen in an ostensibly healthy population. It had not been previously curated by ICSL or reported in the Human Gene Mutation Database (HGMD: prior to June 1st, 2018), and was therefore a candidate for classification through an automated scoring system. Utilizing variant allele frequency, disease prevalence and penetrance estimates, and inheritance mode, an automated score was calculated to assess if this variant is too frequent to cause the disease. Based on the score and internal cut-off values, a variant classified as benign is not then subjected to further curation. The score for this variant resulted in a classification of benign for this disease.

NM_001173464.2(KIF21A):c.1776G>A (p.Ser592=)

Gene: KIF21A (kinesin family member 21A; minus strand). Cytogenetic location: 12q12.
Variant type: single nucleotide variant.
Coding change: c.1776G>A on transcript NM_001173464.2 (MANE Select); coding-DNA position 1776, G replaced by A.
Protein change: p.Ser592=; no amino-acid change (serine 592 retained).
Molecular consequence: synonymous variant.
Genome position (GRCh38, 1-based): chr12:39,342,061, C>T on the plus strand (G>A on the coding strand, the complement: KIF21A is on the minus strand). VCF-style: chr12-39342061-C-T. GRCh37 (hg19) VCF-style: chr12-39735863-C-T.
Other names: c.1737G>A, p.Ser579= (NM_001173463.2, NM_001173465.2, NM_017641.4).
Identifiers: ClinVar variation 308577 (VCV000308577.6), dbSNP rs143782701, ClinGen allele CA6510936.